The following is an entry in ClinVar:

ClinVar aggregate classification (germline): Likely pathogenic (0 of 4 stars; one submission).

Conditions:
SCN2A-related disorder. Also called: SCN2A-related condition; SCN2A-related disorders. Identifiers: MedGen CN382226, MONDO:1060245.

Submission:

PreventionGenetics, part of Exact Sciences
Classification: Likely pathogenic for SCN2A-related condition. Last evaluated: 2024-05-21. Review status: no assertion criteria provided. Collection method: clinical testing. Allele origin: germline.
Comment: The SCN2A c.2728dupT variant is predicted to result in a frameshift and premature protein termination (p.Cys910Leufs*8). To our knowledge, this variant has not been reported in the literature or in a large population database, indicating this variant is rare. Frameshift variants in SCN2A are expected to be pathogenic. This variant is interpreted as likely pathogenic.

NM_001040142.2(SCN2A):c.2728dup (p.Cys910fs)

Gene: SCN2A (sodium voltage-gated channel alpha subunit 2; plus strand). Cytogenetic location: 2q24.3.
Variant type: Duplication.
Coding change: c.2728dup on transcript NM_001040142.2 (MANE Select); coding-DNA position 2728, one base duplicated (T; older notation c.2728dupT).
Protein change: p.Cys910fs; shifts the reading frame from cysteine 910.
Molecular consequence: frameshift variant.
Genome position (GRCh38, 1-based): chr2:165,344,720, T duplicated. VCF-style (leftmost placement, unchanged base first): chr2-165344719-A-AT. GRCh37 (hg19) VCF-style: chr2-166201229-A-AT.
Other names: c.2728dup, p.Cys910fs (NM_001040143.2, NM_001371246.1, NM_001371247.1 and 1 more transcripts); short protein forms C910fs.
Identifiers: ClinVar variation 3344178 (VCV003344178.1).